The following is an entry in ClinVar:

ClinVar aggregate classification (germline): Benign. Review status: criteria provided, multiple submitters, no conflicts (2 of 4 stars). 5 submissions from 5 submitters: Benign (5). Last evaluated 2026-02-01.

Conditions:
Hereditary spastic paraplegia 57. Also called: Spastic paraplegia 57, autosomal recessive. Identifiers: Orphanet 431329, MedGen C3714897, MONDO:0014295, OMIM 615658.
Hereditary motor and sensory neuropathy, Okinawa type (HMSNO). Also called: HEREDITARY MOTOR AND SENSORY NEUROPATHY, PROXIMAL TYPE. Identifiers: Orphanet 90117, MedGen C1858338, MONDO:0011468, OMIM 604484.

Allele frequency attached by ClinVar (database versions not stated): gnomAD exomes 0.00130 and 0.00357; ExAC 0.00451; 1000 Genomes Project 0.01258; 1000 Genomes Project 30x 0.01327; gnomAD 0.01371 and 0.01477; TOPMed 0.01530; ESP Exome Variant Server 0.01661.

Submissions (5):

Labcorp Genetics (formerly Invitae), Labcorp
Classification: Benign for Hereditary motor and sensory neuropathy, Okinawa type; Hereditary spastic paraplegia 57. Last evaluated: 2026-02-01. Review status: criteria provided, single submitter. Criteria: Invitae Variant Classification Sherloc (09022015). Collection method: clinical testing. Allele origin: germline.

ARUP Laboratories, Molecular Genetics and Genomics, ARUP Laboratories
Classification: Benign. Last evaluated: 2024-10-15. Review status: criteria provided, single submitter. Criteria: ARUP Molecular Germline Variant Investigation Process 2024. Collection method: clinical testing. Allele origin: germline.

Mayo Clinic Laboratories, Mayo Clinic
Classification: Benign. Last evaluated: 2016-07-01. Review status: criteria provided, single submitter. Criteria: ACMG Guidelines, 2015. Collection method: clinical testing. Allele origin: germline. Observed: 19 variant alleles.

GeneDx
Classification: Benign. Last evaluated: 2016-04-04. Review status: criteria provided, single submitter. Criteria: GeneDx Variant Classification (06012015). Collection method: clinical testing. Allele origin: germline. Affected: yes.
Comment: This variant is considered likely benign or benign based on one or more of the following criteria: it is a conservative change, it occurs at a poorly conserved position in the protein, it is predicted to be benign by multiple in silico algorithms, and/or has population frequency not consistent with disease.

Breakthrough Genomics
Classification: Benign. Review status: criteria provided, single submitter. Criteria: ACMG Guidelines, 2015. Collection method: not provided. Allele origin: germline. Inheritance: Autosomal recessive inheritance. Affected: yes.

NM_006070.6(TFG):c.945G>A (p.Pro315=)

Gene: TFG (trafficking from ER to golgi regulator; plus strand). Cytogenetic location: 3q12.2.
Variant type: single nucleotide variant.
Coding change: c.945G>A on transcript NM_006070.6 (MANE Select); coding-DNA position 945, G replaced by A.
Protein change: p.Pro315=; no amino-acid change (proline 315 retained).
Molecular consequence: synonymous variant.
Genome position (GRCh38, 1-based): chr3:100,748,273, G>A. VCF-style: chr3-100748273-G-A. GRCh37 (hg19) VCF-style: chr3-100467117-G-A.
Other names: p.Pro315=; c.945G>A, p.Pro315= (NM_001007565.2, NM_001195478.2); c.933G>A, p.Pro311= (NM_001195479.2).
Identifiers: ClinVar variation 379906 (VCV000379906.61), dbSNP rs61736338, ClinGen allele CA2517231.